The following is an entry in ClinVar:

NM_016239.4(MYO15A):c.4009C>T (p.Gln1337Ter)

Gene: MYO15A (myosin XVA; plus strand). Cytogenetic location: 17p11.2.
Variant type: single nucleotide variant.
Coding change: c.4009C>T on transcript NM_016239.4 (MANE Select); coding-DNA position 4009, C replaced by T.
Protein change: p.Gln1337Ter; replaces glutamine 1337 with a stop codon.
Molecular consequence: nonsense.
Genome position (GRCh38, 1-based): chr17:18,127,142, C>T. VCF-style: chr17-18127142-C-T. GRCh37 (hg19) VCF-style: chr17-18030456-C-T.
Other names: short protein forms Q1337*.
Identifiers: ClinVar variation 2737091 (VCV002737091.3), dbSNP rs748567238, ClinGen allele CA398590818.
Genomic context (GRCh38, chr17:18,127,142, plus strand): 5'-AGCGGCTCTGGCAAAACTGAGGCCACCAAGCTGATTCTGCGCTACCTGGCCGCCATGAAC[C>T]AGAAACGGGAGGTCATGCAGCAGGTGAGTCTACCTGTCTCCCCAGGACCCTAGGCTGAAC-3'

ClinVar aggregate classification (germline): Pathogenic (1 of 4 stars; one submission).

Submission:

Labcorp Genetics (formerly Invitae), Labcorp
Classification: Pathogenic. Last evaluated: 2023-07-07. Review status: criteria provided, single submitter. Criteria: Invitae Variant Classification Sherloc (09022015). Collection method: clinical testing. Allele origin: germline.
Comment: This sequence change creates a premature translational stop signal (p.Gln1337*) in the MYO15A gene. It is expected to result in an absent or disrupted protein product. Loss-of-function variants in MYO15A are known to be pathogenic (PMID: 17546645). This variant is not present in population databases (gnomAD no frequency). This variant has not been reported in the literature in individuals affected with MYO15A-related conditions. For these reasons, this variant has been classified as Pathogenic.

Literature cited by the submitters: PubMed 17546645.